The following is an entry in ClinVar:

ClinVar aggregate classification (germline): Uncertain significance. Review status: criteria provided, multiple submitters, no conflicts (2 of 4 stars). 2 submissions from 2 submitters: Uncertain significance (2). Last evaluated 2024-12-31.

Conditions:
Inborn genetic diseases. Identifiers: MedGen C0950123, MeSH D030342.

gnomAD v4.1: 3 of 1,613,556 alleles (0.00019%); highest among the groups gnomAD compares: Non-Finnish European, 0.00025%; no homozygotes.

Submissions (2):

Ambry Genetics
Classification: Uncertain significance for Inborn genetic diseases. Last evaluated: 2024-12-31. Review status: criteria provided, single submitter. Criteria: Ambry Variant Classification Scheme 2023. Collection method: clinical testing. Allele origin: germline.
Comment: The p.R359H variant (also known as c.1076G>A), located in coding exon 10 of the DDX41 gene, results from a G to A substitution at nucleotide position 1076. The arginine at codon 359 is replaced by histidine, an amino acid with highly similar properties. This amino acid position is highly conserved in available vertebrate species. In addition, this alteration is predicted to be tolerated by in silico analysis. Based on the available evidence, the clinical significance of this variant remains unclear.

Labcorp Genetics (formerly Invitae), Labcorp
Classification: Uncertain significance. Last evaluated: 2024-02-10. Review status: criteria provided, single submitter. Criteria: Invitae Variant Classification Sherloc (09022015). Collection method: clinical testing. Allele origin: germline.
Comment: This sequence change replaces arginine, which is basic and polar, with histidine, which is basic and polar, at codon 359 of the DDX41 protein (p.Arg359His). This variant is not present in population databases (gnomAD no frequency). This variant has not been reported in the literature in individuals affected with DDX41-related conditions. An algorithm developed to predict the effect of missense changes on protein structure and function (PolyPhen-2) suggests that this variant is likely to be disruptive. In summary, the available evidence is currently insufficient to determine the role of this variant in disease. Therefore, it has been classified as a Variant of Uncertain Significance.

NM_016222.4(DDX41):c.1076G>A (p.Arg359His)

Gene: DDX41 (DEAD-box helicase 41; minus strand). Cytogenetic location: 5q35.3.
Variant type: single nucleotide variant.
Coding change: c.1076G>A on transcript NM_016222.4 (MANE Select); coding-DNA position 1076, G replaced by A.
Protein change: p.Arg359His; replaces arginine 359 with histidine.
Molecular consequence: missense variant.
Genome position (GRCh38, 1-based): chr5:177,513,707, C>T on the plus strand (G>A on the coding strand, the complement: DDX41 is on the minus strand). VCF-style: chr5-177513707-C-T. GRCh37 (hg19) VCF-style: chr5-176940708-C-T.
Other names: c.1076G>A (NM_016222.2); c.698G>A, p.Arg233His (NM_001321732.2, NM_001321830.2); short protein forms R233H, R359H.
Identifiers: ClinVar variation 3640076 (VCV003640076.3).